The following is an entry in ClinVar:

ClinVar aggregate classification (germline): Uncertain significance (1 of 4 stars; one submission).

Allele frequency attached by ClinVar (database versions not stated): gnomAD exomes below 0.00001; ExAC 0.00001.
gnomAD v4.1: 2 of 1,612,926 alleles (0.00012%); highest among the groups gnomAD compares: Non-Finnish European, 0.00017%; no homozygotes.

Submission:

Labcorp Genetics (formerly Invitae), Labcorp
Classification: Uncertain significance. Last evaluated: 2022-08-23. Review status: criteria provided, single submitter. Criteria: Invitae Variant Classification Sherloc (09022015). Collection method: clinical testing. Allele origin: germline.
Comment: In summary, the available evidence is currently insufficient to determine the role of this variant in disease. Therefore, it has been classified as a Variant of Uncertain Significance. Algorithms developed to predict the effect of missense changes on protein structure and function are either unavailable or do not agree on the potential impact of this missense change (SIFT: "Deleterious"; PolyPhen-2: "Probably Damaging"; Align-GVGD: "Class C0"). ClinVar contains an entry for this variant (Variation ID: 1472196). This missense change has been observed in individual(s) with deafness (Invitae). This variant is present in population databases (rs773887842, gnomAD 0.0009%). This sequence change replaces valine, which is neutral and non-polar, with methionine, which is neutral and non-polar, at codon 2174 of the ADGRV1 protein (p.Val2174Met).

NM_032119.4(ADGRV1):c.6520G>A (p.Val2174Met)

Gene: ADGRV1 (adhesion G protein-coupled receptor V1; plus strand). Cytogenetic location: 5q14.3.
Variant type: single nucleotide variant.
Coding change: c.6520G>A on transcript NM_032119.4 (MANE Select); coding-DNA position 6520, G replaced by A.
Protein change: p.Val2174Met; replaces valine 2174 with methionine.
Molecular consequence: missense variant. On other transcripts: non-coding transcript variant (1).
Genome position (GRCh38, 1-based): chr5:90,689,890, G>A. VCF-style: chr5-90689890-G-A. GRCh37 (hg19) VCF-style: chr5-89985707-G-A.
Other names: short protein forms V2174M.
Identifiers: ClinVar variation 1472196 (VCV001472196.8), dbSNP rs773887842, ClinGen allele CA3339818.
Genomic context (GRCh38, chr5:90,689,890, plus strand): 5'-AGTCTTAACATTTTACTTTTGGTCTTTTCAGGTGAAGATTATAGTATAGCTTCATCAGAT[G>A]TGGTCTTGCTAGAAGGGGAAACCAGTAAAGCCGTGCCAATATATGTCATTAATGATATCT-3'
Protein context (NP_115495.3, residues 2164-2184): GEDYSIASSD[Val2174Met]VLLEGETSKA